The following is an entry in ClinVar:

ClinVar aggregate classification (germline): Uncertain significance (1 of 4 stars; one submission).

Conditions:
KIF1B-related disorder. Also called: KIF1B-related condition.

gnomAD v4.1: 45 of 1,611,364 alleles (0.0028%); highest among the groups gnomAD compares: Non-Finnish European, 0.0036%; no homozygotes.

Submission:

PreventionGenetics, part of Exact Sciences
Classification: Uncertain significance for KIF1B-related condition. Last evaluated: 2025-07-28. Review status: criteria provided, single submitter. Criteria: ACMG Guidelines, 2015. Collection method: clinical testing. Allele origin: germline.
Comment: The KIF1B c.2824C>T variant is predicted to result in the amino acid substitution p.Arg942Cys. To our knowledge, this variant has not been reported in the literature. This variant is reported in 0.0071% of alleles in individuals of European (Non-Finnish) descent in gnomAD. At the time of reporting this variant was not present in ClinVar. At this time, the clinical significance of this variant is uncertain due to the absence of conclusive functional and genetic evidence.

NM_001365951.3(KIF1B):c.2115+6763C>T

Gene: KIF1B (kinesin family member 1B; plus strand). Cytogenetic location: 1p36.22.
Variant type: single nucleotide variant.
Coding change: c.2115+6763C>T on transcript NM_001365951.3 (MANE Select); 6763 bases into the intron after coding-DNA position 2115, C replaced by T.
Molecular consequence: intron variant. On other transcripts: missense variant (2).
Genome position (GRCh38, 1-based): chr1:10,304,009, C>T. VCF-style: chr1-10304009-C-T. GRCh37 (hg19) VCF-style: chr1-10364067-C-T.
Other names: c.2824C>T, p.Arg942Cys (NM_001365953.1, NM_183416.4); c.1977+6763C>T (NM_015074.3); c.2115+6763C>T (NM_001365952.1); short protein forms R942C.
Identifiers: ClinVar variation 4986451 (VCV004986451.1).